The following is an entry in ClinVar:

NM_001083926.2(ASRGL1):c.850C>T (p.Pro284Ser)

Gene: ASRGL1 (asparaginase and isoaspartyl peptidase 1; plus strand). Cytogenetic location: 11q12.3.
Variant type: single nucleotide variant.
Coding change: c.850C>T on transcript NM_001083926.2 (MANE Select); coding-DNA position 850, C replaced by T.
Protein change: p.Pro284Ser; replaces proline 284 with serine.
Molecular consequence: missense variant.
Genome position (GRCh38, 1-based): chr11:62,392,207, C>T. VCF-style: chr11-62392207-C-T. GRCh37 (hg19) VCF-style: chr11-62159679-C-T.
Other names: c.850C>T, p.Pro284Ser (NM_025080.4); short protein forms P284S.
Identifiers: ClinVar variation 3698701 (VCV003698701.2).

ClinVar aggregate classification (germline): Uncertain significance (1 of 4 stars; one submission).

gnomAD v4.1: 7 of 1,614,088 alleles (0.00043%); highest among the groups gnomAD compares: East Asian, 0.013%; no homozygotes.

Submission:

Labcorp Genetics (formerly Invitae), Labcorp
Classification: Uncertain significance. Last evaluated: 2024-12-13. Review status: criteria provided, single submitter. Criteria: Invitae Variant Classification Sherloc (09022015). Collection method: clinical testing. Allele origin: germline.
Comment: This sequence change replaces proline, which is neutral and non-polar, with serine, which is neutral and polar, at codon 284 of the ASRGL1 protein (p.Pro284Ser). This variant is present in population databases (rs773361504, gnomAD 0.01%). This variant has not been reported in the literature in individuals affected with ASRGL1-related conditions. An algorithm developed to predict the effect of missense changes on protein structure and function (PolyPhen-2) suggests that this variant is likely to be tolerated. In summary, the available evidence is currently insufficient to determine the role of this variant in disease. Therefore, it has been classified as a Variant of Uncertain Significance.